The following is an entry in ClinVar:

NM_000388.4(CASR):c.467T>C (p.Leu156Pro)

Gene: CASR (calcium sensing receptor; plus strand). Cytogenetic location: 3q21.1.
Variant type: single nucleotide variant.
Coding change: c.467T>C on transcript NM_000388.4 (MANE Select); coding-DNA position 467, T replaced by C.
Protein change: p.Leu156Pro; replaces leucine 156 with proline.
Molecular consequence: missense variant.
Genome position (GRCh38, 1-based): chr3:122,257,362, T>C. VCF-style: chr3-122257362-T-C. GRCh37 (hg19) VCF-style: chr3-121976209-T-C.
Other names: c.467T>C, p.Leu156Pro (NM_001178065.2); short protein forms L156P.
Identifiers: ClinVar variation 1256483 (VCV001256483.6), dbSNP rs2107627878, ClinGen allele CA354362954.

ClinVar aggregate classification (germline): Uncertain significance. Review status: criteria provided, multiple submitters, no conflicts (2 of 4 stars). 2 submissions from 2 submitters: Uncertain significance (2). Last evaluated 2022-06-22.

Conditions:
Autosomal dominant hypocalcemia 1 (HYPOC1). Also called: HYPOCALCEMIA, FAMILIAL. Identifiers: MedGen C3715128, MONDO:0011013, OMIM 601198.
Familial hypocalciuric hypercalcemia (FHH). Also called: Familial benign hypercalcemia. Identifiers: Orphanet 405, MedGen C1809471, MONDO:0018458.

Submissions (2):

Labcorp Genetics (formerly Invitae), Labcorp
Classification: Uncertain significance for Familial hypocalciuric hypercalcemia; Autosomal dominant hypocalcemia 1. Last evaluated: 2022-06-22. Review status: criteria provided, single submitter. Criteria: Invitae Variant Classification Sherloc (09022015). Collection method: clinical testing. Allele origin: germline.
Comment: In summary, the available evidence is currently insufficient to determine the role of this variant in disease. Therefore, it has been classified as a Variant of Uncertain Significance. Algorithms developed to predict the effect of missense changes on protein structure and function (SIFT, PolyPhen-2, Align-GVGD) all suggest that this variant is likely to be disruptive. ClinVar contains an entry for this variant (Variation ID: 1256483). This variant has not been reported in the literature in individuals affected with CASR-related conditions. This variant is not present in population databases (gnomAD no frequency). This sequence change replaces leucine, which is neutral and non-polar, with proline, which is neutral and non-polar, at codon 156 of the CASR protein (p.Leu156Pro).

Athena Diagnostics
Classification: Uncertain significance. Last evaluated: 2021-01-07. Review status: criteria provided, single submitter. Criteria: Athena Diagnostics criteria. Collection method: clinical testing. Allele origin: unknown.